The following is an entry in ClinVar:

NM_003190.5(TAPBP):c.166_169delinsG (p.Pro56_Arg57delinsGly)

Gene: TAPBP (TAP binding protein; minus strand). Cytogenetic location: 6p21.32.
Variant type: Indel.
Coding change: c.166_169delinsG on transcript NM_003190.5 (MANE Select); coding-DNA positions 166 to 169, CCCC replaced by G.
Protein change: p.Pro56_Arg57delinsGly.
Molecular consequence: inframe indel.
Genome position (GRCh38, 1-based): chr6:33,313,733-33,313,736, GGGG replaced by C on the plus strand (CCCC replaced by G on the coding strand, the reverse complement: TAPBP is on the minus strand). VCF-style: chr6-33313733-GGGG-C. GRCh37 (hg19) VCF-style: chr6-33281510-GGGG-C.
Other names: c.166_169delinsG, p.Pro56_Arg57delinsGly (NM_172208.3, NM_172209.3).
Identifiers: ClinVar variation 968707 (VCV000968707.6), dbSNP rs1004856880, ClinGen allele CA1139659487.

ClinVar aggregate classification (germline): Uncertain significance (1 of 4 stars; one submission).

Conditions:
MHC class I deficiency. Identifiers: Orphanet 34592, MedGen C6024714, MONDO:0011476.

Submission:

Labcorp Genetics (formerly Invitae), Labcorp
Classification: Uncertain significance for MHC class I deficiency 1. Last evaluated: 2020-12-10. Review status: criteria provided, single submitter. Criteria: Invitae Variant Classification Sherloc (09022015). Collection method: clinical testing. Allele origin: germline.
Comment: In summary, the available evidence is currently insufficient to determine the role of this variant in disease. Therefore, it has been classified as a Variant of Uncertain Significance. Experimental studies and prediction algorithms are not available or were not evaluated, and the functional significance of this variant is currently unknown. This variant has not been reported in the literature in individuals with TAPBP-related conditions. ClinVar contains an entry for this variant (Variation ID: 968707). The frequency data for this variant in the population databases is not available, as this variant may be reported as separate entries in the ExAC database. This variant, c.166_169delinsG, results in the deletion of 2 amino acid(s) of the TAPBP protein (p.Pro56_Arg57delinsGly), but otherwise preserves the integrity of the reading frame.